The following is an entry in ClinVar:

NM_001042492.3(NF1):c.7783A>T (p.Lys2595Ter)

Gene: NF1 (neurofibromin 1; plus strand). Cytogenetic location: 17q11.2.
Variant type: single nucleotide variant.
Coding change: c.7783A>T on transcript NM_001042492.3 (MANE Select); coding-DNA position 7783, A replaced by T.
Protein change: p.Lys2595Ter; replaces lysine 2595 with a stop codon.
Molecular consequence: nonsense.
Genome position (GRCh38, 1-based): chr17:31,357,004, A>T. VCF-style: chr17-31357004-A-T. GRCh37 (hg19) VCF-style: chr17-29684022-A-T.
Other names: c.7720A>T, p.Lys2574Ter (NM_000267.4); short protein forms K2595*, K2574*.
Identifiers: ClinVar variation 1760320 (VCV001760320.2), dbSNP rs2151582291, ClinGen allele CA399018450.

ClinVar aggregate classification (germline): Pathogenic (1 of 4 stars; one submission).

Conditions:
Hereditary cancer-predisposing syndrome. Also called: Neoplastic Syndromes, Hereditary; Tumor predisposition; Hereditary Cancer Syndrome; Hereditary neoplastic syndrome. Identifiers: Orphanet 140162, MedGen C0027672, MeSH D009386, MONDO:0015356.
Cardiovascular phenotype. Identifiers: MedGen CN230736.

Submission:

Ambry Genetics
Classification: Pathogenic for Cardiovascular phenotype; Hereditary cancer-predisposing syndrome. Last evaluated: 2022-02-18. Review status: criteria provided, single submitter. Criteria: Ambry Variant Classification Scheme 2023. Collection method: clinical testing. Allele origin: germline.
Comment: The p.K2574* pathogenic mutation (also known as c.7720A>T), located in coding exon 52 of the NF1 gene, results from an A to T substitution at nucleotide position 7720. This changes the amino acid from a lysine to a stop codon within coding exon 52. This alteration has been observed in at least one individual with a personal and/or family history that is consistent with NF1-related disease (Ambry internal data). This variant is considered to be rare based on population cohorts in the Genome Aggregation Database (gnomAD). This alteration is expected to result in loss of function by premature protein truncation or nonsense-mediated mRNA decay. As such, this alteration is interpreted as a disease-causing mutation.